The following is an entry in ClinVar:

ClinVar aggregate classification (germline): Conflicting classifications of pathogenicity. Review status: criteria provided, conflicting classifications (1 of 4 stars). 2 submissions from 2 submitters: Likely pathogenic (1); Uncertain significance (1). Last evaluated 2024-10-07.

Conditions:
Generalized epilepsy-paroxysmal dyskinesia syndrome (PNKD3). Also called: Generalized epilepsy and paroxysmal dyskinesia; Paroxysmal nonkinesigenic dyskinesia, 3, with or without generalized epilepsy. Identifiers: Orphanet 79137, MedGen C5574945, MONDO:0012276, OMIM 609446.
Inborn genetic diseases. Identifiers: MedGen C0950123, MeSH D030342.

Submissions (2):

Ambry Genetics
Classification: Likely pathogenic for Inborn genetic diseases. Last evaluated: 2024-10-07. Review status: criteria provided, single submitter. Criteria: Ambry Variant Classification Scheme 2023. Collection method: clinical testing. Allele origin: germline.
Comment: The c.826G>C (p.A276P) alteration is located in exon 6 (coding exon 6) of the KCNMA1 gene. This alteration results from a G to C substitution at nucleotide position 826, causing the alanine (A) at amino acid position 276 to be replaced by a proline (P). for autosomal dominant KCNMA1-related neurological disorder; however, its clinical significance for autosomal recessive KCNMA1-related neurodevelopmental disorder is uncertain. This variant was not reported in population-based cohorts in the Genome Aggregation Database (gnomAD). This amino acid position is highly conserved in available vertebrate species. This missense alteration is located in a region that has a low rate of benign missense variation (Lek, 2016; Firth, 2009). This alteration is predicted to be deleterious by in silico analysis. Based on the available evidence, this alteration is classified as likely pathogenic.

Labcorp Genetics (formerly Invitae), Labcorp
Classification: Uncertain significance for Generalized epilepsy-paroxysmal dyskinesia syndrome. Last evaluated: 2024-05-02. Review status: criteria provided, single submitter. Criteria: Invitae Variant Classification Sherloc (09022015). Collection method: clinical testing. Allele origin: germline.
Comment: This sequence change replaces alanine, which is neutral and non-polar, with proline, which is neutral and non-polar, at codon 276 of the KCNMA1 protein (p.Ala276Pro). This variant is not present in population databases (gnomAD no frequency). This variant has not been reported in the literature in individuals affected with KCNMA1-related conditions. Advanced modeling of protein sequence and biophysical properties (such as structural, functional, and spatial information, amino acid conservation, physicochemical variation, residue mobility, and thermodynamic stability) performed at Invitae indicates that this missense variant is expected to disrupt KCNMA1 protein function with a positive predictive value of 80%. In summary, the available evidence is currently insufficient to determine the role of this variant in disease. Therefore, it has been classified as a Variant of Uncertain Significance.

NM_001161352.2(KCNMA1):c.826G>C (p.Ala276Pro)

Gene: KCNMA1 (potassium calcium-activated channel subfamily M alpha 1; minus strand). Cytogenetic location: 10q22.3.
Variant type: single nucleotide variant.
Coding change: c.826G>C on transcript NM_001161352.2 (MANE Select); coding-DNA position 826, G replaced by C.
Protein change: p.Ala276Pro; replaces alanine 276 with proline.
Molecular consequence: missense variant.
Genome position (GRCh38, 1-based): chr10:77,121,031, C>G on the plus strand (G>C on the coding strand, the complement: KCNMA1 is on the minus strand). VCF-style: chr10-77121031-C-G. GRCh37 (hg19) VCF-style: chr10-78880789-C-G.
Other names: c.826G>C, p.Ala276Pro (NM_001014797.3, NM_001161353.2, NM_001271519.2 and 8 more transcripts); c.664G>C, p.Ala222Pro (NM_001271518.2); c.286G>C, p.Ala96Pro (NM_001322838.2); short protein forms A276P, A96P, A222P.
Identifiers: ClinVar variation 3532598 (VCV003532598.3).